The following is an entry in ClinVar:

ClinVar aggregate classification (germline): Uncertain significance. Review status: criteria provided, multiple submitters, no conflicts (2 of 4 stars). 2 submissions from 2 submitters: Uncertain significance (2). Last evaluated 2026-04-05.

Conditions:
MYRF-related disorder. Also called: MYRF-related disorders; MYRF-related condition.
Inborn genetic diseases. Identifiers: MedGen C0950123, MeSH D030342.

gnomAD v4.1: 11 of 1,551,776 alleles (0.00071%); highest among the groups gnomAD compares: African/African-American, 0.0014%; no homozygotes.

Submissions (2):

PreventionGenetics, part of Exact Sciences
Classification: Uncertain significance for MYRF-related condition. Last evaluated: 2026-04-05. Review status: criteria provided, single submitter. Criteria: ACMG Guidelines, 2015. Collection method: clinical testing. Allele origin: germline.
Comment: The MYRF c.1898A>C variant is predicted to result in the amino acid substitution p.Glu633Ala. To our knowledge, this variant has not been reported in the literature. This variant is reported in 0.0% of alleles in individuals of African descent in gnomAD. At this time, the clinical significance of this variant is uncertain due to the absence of conclusive functional and genetic evidence.

Ambry Genetics
Classification: Uncertain significance for Inborn genetic diseases. Last evaluated: 2024-07-07. Review status: criteria provided, single submitter. Criteria: Ambry Variant Classification Scheme 2023. Collection method: clinical testing. Allele origin: germline.

NM_001127392.3(MYRF):c.1898A>C (p.Glu633Ala)

Gene: MYRF (myelin regulatory factor; plus strand). Cytogenetic location: 11q12.2.
Variant type: single nucleotide variant.
Coding change: c.1898A>C on transcript NM_001127392.3 (MANE Select); coding-DNA position 1898, A replaced by C.
Protein change: p.Glu633Ala; replaces glutamic acid 633 with alanine.
Molecular consequence: missense variant.
Genome position (GRCh38, 1-based): chr11:61,777,840, A>C. VCF-style: chr11-61777840-A-C. GRCh37 (hg19) VCF-style: chr11-61545312-A-C.
Other names: c.1898A>C (NM_001127392.2); c.1871A>C, p.Glu624Ala (NM_013279.4); short protein forms E624A, E633A.
Identifiers: ClinVar variation 3402155 (VCV003402155.2).
Genomic context (GRCh38, chr11:61,777,840, plus strand): 5'-TGCACTACAGATACAAGCCCGAGTTCGCCGCCAGCGCGGGCATCGAGGCCACCGCGCCAG[A>C]GACAGGTAGGGACCGGGCTGGTGCGGACTGGGGTCCGGAAACCCAGAAACCTCGGGCCTC-3'
Protein context (NP_001120864.1, residues 623-643): ASAGIEATAP[Glu633Ala]TGVIAQEVKE